The following is an entry in ClinVar:

ClinVar aggregate classification (germline): Uncertain significance (1 of 4 stars; one submission).

gnomAD v4.1: 5 of 1,610,878 alleles (0.00031%); highest among the groups gnomAD compares: Non-Finnish European, 0.00042%; no homozygotes.

Submission:

Women's Health and Genetics/Laboratory Corporation of America, LabCorp
Classification: Uncertain significance. Last evaluated: 2024-06-18. Review status: criteria provided, single submitter. Criteria: LabCorp Variant Classification Summary - May 2015. Collection method: clinical testing. Allele origin: germline.
Comment: Variant summary: TMEM67 c.653G>A (p.Gly218Asp) results in a non-conservative amino acid change in the encoded protein sequence. Four of five in-silico tools predict a damaging effect of the variant on protein function. The variant allele was found at a frequency of 8e-06 in 250962 control chromosomes (gnomAD). The available data on variant occurrences in the general population are insufficient to allow any conclusion about variant significance. To our knowledge, no occurrence of c.653G>A in individuals affected with Joubert Syndrome And Related Disorders and no experimental evidence demonstrating its impact on protein function have been reported. No submitters have cited clinical-significance assessments for this variant to ClinVar. Based on the evidence outlined above, the variant was classified as uncertain significance.

NM_153704.6(TMEM67):c.653G>A (p.Gly218Asp)

Gene: TMEM67 (transmembrane protein 67; plus strand). Cytogenetic location: 8q22.1.
Variant type: single nucleotide variant.
Coding change: c.653G>A on transcript NM_153704.6 (MANE Select); coding-DNA position 653, G replaced by A.
Protein change: p.Gly218Asp; replaces glycine 218 with aspartic acid.
Molecular consequence: missense variant. On other transcripts: non-coding transcript variant (1).
Genome position (GRCh38, 1-based): chr8:93,772,590, G>A. VCF-style: chr8-93772590-G-A. GRCh37 (hg19) VCF-style: chr8-94784818-G-A.
Other names: c.410G>A, p.Gly137Asp (NM_001142301.1); short protein forms G137D, G218D.
Identifiers: ClinVar variation 3339996 (VCV003339996.1).